The following is an entry in ClinVar:

ClinVar aggregate classification (germline): Pathogenic (1 of 4 stars; one submission).

Conditions:
Cone-rod dystrophy 13 (CORD13). Identifiers: Orphanet 1872, MedGen C2750720, MONDO:0011987, OMIM 608194.
Leber congenital amaurosis 6 (LCA6). Identifiers: Orphanet 65, MedGen C1854260, MONDO:0013446, OMIM 613826.

Submission:

Labcorp Genetics (formerly Invitae), Labcorp
Classification: Pathogenic for Leber congenital amaurosis 6; Cone-rod dystrophy 13. Last evaluated: 2025-09-08. Review status: criteria provided, single submitter. Criteria: Invitae Variant Classification Sherloc (09022015). Collection method: clinical testing. Allele origin: germline.
Comment: This sequence change replaces threonine, which is neutral and polar, with alanine, which is neutral and non-polar, at codon 652 of the RPGRIP1 protein (p.Thr652Ala). This variant is not present in population databases (gnomAD no frequency). This missense change has been observed in individual(s) with Leber congenital amaurosis (PMID: 34796026; internal data). In at least one individual the data is consistent with being in trans (on the opposite chromosome) from a pathogenic variant. ClinVar contains an entry for this variant (Variation ID: 2116829). Invitae Evidence Modeling of protein sequence and biophysical properties (such as structural, functional, and spatial information, amino acid conservation, physicochemical variation, residue mobility, and thermodynamic stability) indicates that this missense variant is expected to disrupt RPGRIP1 protein function with a positive predictive value of 80%. For these reasons, this variant has been classified as Pathogenic.

Literature cited by the submitters: PubMed 34796026.

NM_020366.4(RPGRIP1):c.1954A>G (p.Thr652Ala)

Gene: RPGRIP1 (RPGR interacting protein 1; plus strand). Cytogenetic location: 14q11.2.
Variant type: single nucleotide variant.
Coding change: c.1954A>G on transcript NM_020366.4 (MANE Select); coding-DNA position 1954, A replaced by G.
Protein change: p.Thr652Ala; replaces threonine 652 with alanine.
Molecular consequence: missense variant. On other transcripts: intron variant (4).
Genome position (GRCh38, 1-based): chr14:21,324,809, A>G. VCF-style: chr14-21324809-A-G. GRCh37 (hg19) VCF-style: chr14-21792968-A-G.
Other names: c.880A>G, p.Thr294Ala (NM_001377948.1); c.796+84A>G (NM_001377949.1); c.688+2805A>G (NM_001377523.1, NM_001377950.1); c.190+2805A>G (NM_001377951.1); short protein forms T294A, T652A.
Identifiers: ClinVar variation 2116829 (VCV002116829.4), dbSNP rs2502811610, ClinGen allele CA388867351.
Genomic context (GRCh38, chr14:21,324,809, plus strand): 5'-ATCCACCAGGCCTTCCTGACATCTGCCGCCCTAGCTCAGGCTGGAGATACCCAACCTACC[A>G]CTTTCTGCACCTATTCCTTCTATGACTTTGAAACCCACTGTACCCCATTATCTGTGGGGC-3'
Protein context (NP_065099.3, residues 642-662): LAQAGDTQPT[Thr652Ala]FCTYSFYDFE